The following is an entry in ClinVar:

NM_019042.5(PUS7):c.399-2A>T

Gene: PUS7 (pseudouridine synthase 7; minus strand). Cytogenetic location: 7q22.3.
Variant type: single nucleotide variant.
Coding change: c.399-2A>T on transcript NM_019042.5 (MANE Select); the canonical splice acceptor site of the intron before coding-DNA position 399, A replaced by T.
Molecular consequence: splice acceptor variant.
Genome position (GRCh38, 1-based): chr7:105,506,275, T>A on the plus strand (A>T on the coding strand, the complement: PUS7 is on the minus strand). VCF-style: chr7-105506275-T-A. GRCh37 (hg19) VCF-style: chr7-105146722-T-A.
Other names: c.399-2A>T (NM_001318163.1, NM_001318164.2).
Identifiers: ClinVar variation 4814170 (VCV004814170.1).

ClinVar aggregate classification (germline): Likely pathogenic (1 of 4 stars; one submission).

Conditions:
Intellectual developmental disorder with abnormal behavior, microcephaly, and short stature. Identifiers: MedGen C5193039, MONDO:0032687, OMIM 618342.

Submission:

OLLIN Analises Genomicas, OLLIN
Classification: Likely pathogenic for Intellectual developmental disorder with abnormal behavior, microcephaly, and short stature. Last evaluated: 2026-02-13. Review status: criteria provided, single submitter. Criteria: ACMG Guidelines 2015 PMID 25741868. Collection method: clinical testing. Allele origin: germline. Observed: 1 variant allele.
Comment: PVS1, PM2_P